The following is an entry in ClinVar:

NM_000038.6(APC):c.4673A>G (p.Asp1558Gly)

Gene: APC (APC regulator of Wnt signaling pathway; plus strand). Cytogenetic location: 5q22.2.
Variant type: single nucleotide variant.
Coding change: c.4673A>G on transcript NM_000038.6 (MANE Select); coding-DNA position 4673, A replaced by G.
Protein change: p.Asp1558Gly; replaces aspartic acid 1558 with glycine.
Molecular consequence: missense variant. On other transcripts: non-coding transcript variant (2).
Genome position (GRCh38, 1-based): chr5:112,840,267, A>G. VCF-style: chr5-112840267-A-G. GRCh37 (hg19) VCF-style: chr5-112175964-A-G.
Other names: c.4673A>G, p.Asp1558Gly (NM_001127510.3, NM_001354895.2, NM_001407450.1); c.4619A>G, p.Asp1540Gly (NM_001127511.3); c.4727A>G, p.Asp1576Gly (NM_001354896.2, NM_001407447.1, NM_001407448.1 and 1 more transcripts); c.4703A>G, p.Asp1568Gly (NM_001354897.2); c.4598A>G, p.Asp1533Gly (NM_001354898.2); c.4589A>G, p.Asp1530Gly (NM_001354899.2); c.4550A>G, p.Asp1517Gly (NM_001354900.2); c.4496A>G, p.Asp1499Gly (NM_001354901.2, NM_001407453.1); and 11 more; short protein forms D1174G, D1275G, D1398G, D1429G, D1432G, D1457G, D1467G, D1475G.
Identifiers: ClinVar variation 4756842 (VCV004756842.1).

ClinVar aggregate classification (germline): Uncertain significance (1 of 4 stars; one submission).

Conditions:
Hereditary cancer-predisposing syndrome. Also called: Tumor predisposition; Hereditary Cancer Syndrome; Neoplastic Syndromes, Hereditary; Hereditary neoplastic syndrome. Identifiers: Orphanet 140162, MedGen C0027672, MeSH D009386, MONDO:0015356.

Submission:

Color Diagnostics, LLC DBA Color Health
Classification: Uncertain significance for Hereditary cancer-predisposing syndrome. Last evaluated: 2025-06-20. Review status: criteria provided, single submitter. Criteria: ACMG Guidelines, 2015. Collection method: clinical testing. Allele origin: germline.
Comment: This missense variant replaces aspartic acid with glycine at codon 1558 of the APC protein. Computational prediction suggests that this variant may not impact protein structure and function. To our knowledge, functional studies have not been reported for this variant. This variant has not been reported in individuals affected with APC-related disorders in the literature. This variant has not been identified in the general population by the Genome Aggregation Database (gnomAD). The available evidence is insufficient to determine the role of this variant in disease conclusively. Therefore, this variant is classified as a Variant of Uncertain Significance.